The following is an entry in ClinVar:

NM_078480.3(PUF60):c.109C>T (p.Gln37Ter)

Gene: PUF60 (poly(U) binding splicing factor 60; minus strand). Cytogenetic location: 8q24.3.
Variant type: single nucleotide variant.
Coding change: c.109C>T on transcript NM_078480.3 (MANE Select); coding-DNA position 109, C replaced by T.
Protein change: p.Gln37Ter; replaces glutamine 37 with a stop codon.
Molecular consequence: nonsense. On other transcripts: 5 prime UTR variant (2), genic upstream transcript variant (2).
Genome position (GRCh38, 1-based): chr8:143,824,315, G>A on the plus strand (C>T on the coding strand, the complement: PUF60 is on the minus strand). VCF-style: chr8-143824315-G-A. GRCh37 (hg19) VCF-style: chr8-144906485-G-A.
Other names: c.-21C>T (NM_001136033.3, NM_001271100.2); c.106C>T, p.Gln36Ter (NM_001271096.2, NM_001271098.2); c.220C>T, p.Gln74Ter (NM_001362895.2, NM_001362896.2, NM_001362897.2); c.109C>T, p.Gln37Ter (NM_014281.5); c.25-2402C>T (NM_001271097.2, NM_001271099.2); short protein forms Q36*, Q37*, Q74*.
Identifiers: ClinVar variation 2576113 (VCV002576113.1), dbSNP rs2538914833, ClinGen allele CA372447597.

ClinVar aggregate classification (germline): Likely pathogenic (1 of 4 stars; one submission).

Submission:

Institute for Clinical Genetics, University Hospital TU Dresden, University Hospital TU Dresden
Classification: Likely pathogenic. Last evaluated: 2022-02-01. Review status: criteria provided, single submitter. Criteria: ACMG Guidelines, 2015. Collection method: clinical testing. Allele origin: maternal.
Comment: PM4, PVS1, PM2_SUP